The following is an entry in ClinVar:

ClinVar aggregate classification (germline): Uncertain significance (1 of 4 stars; one submission).

Conditions:
Long QT syndrome (LQTS). Identifiers: MedGen C0023976, MeSH D008133, MONDO:0002442. Disease mechanism: loss of function. Inheritance: Various modes of inheritance.

gnomAD v4.1: 10 of 1,614,050 alleles (0.00062%); highest among the groups gnomAD compares: African/African-American, 0.0013%; no homozygotes.

Submission:

Labcorp Genetics (formerly Invitae), Labcorp
Classification: Uncertain significance for Long QT syndrome. Last evaluated: 2025-11-13. Review status: criteria provided, single submitter. Criteria: Invitae Variant Classification Sherloc (09022015). Collection method: clinical testing. Allele origin: germline.
Comment: This sequence change replaces proline, which is neutral and non-polar, with serine, which is neutral and polar, at codon 1807 of the ANK2 protein (p.Pro1807Ser). This variant is not present in population databases (gnomAD no frequency). This variant has not been reported in the literature in individuals affected with ANK2-related conditions. An algorithm developed to predict the effect of missense changes on protein structure and function (PolyPhen-2) suggests that this variant is likely to be tolerated. In summary, the available evidence is currently insufficient to determine the role of this variant in disease. Therefore, it has been classified as a Variant of Uncertain Significance.

NM_001148.6(ANK2):c.5419C>T (p.Pro1807Ser)

Genes: ANK2 (ankyrin 2; plus strand), LOC126807136 (MED14-independent group 3 enhancer GRCh37_chr4:114274931-114276130; plus strand). Cytogenetic location: 4q26.
Variant type: single nucleotide variant.
Coding change: c.5419C>T on transcript NM_001148.6 (MANE Select); coding-DNA position 5419, C replaced by T.
Protein change: p.Pro1807Ser; replaces proline 1807 with serine.
Molecular consequence: missense variant. On other transcripts: intron variant (68).
Genome position (GRCh38, 1-based): chr4:113,354,037, C>T. VCF-style: chr4-113354037-C-T. GRCh37 (hg19) VCF-style: chr4-114275193-C-T.
Other names: c.5185C>T, p.Pro1729Ser (NM_001386142.1); c.1819C>T, p.Pro607Ser (NM_001386166.1); c.5560C>T, p.Pro1854Ser (NM_001386174.1); c.5536C>T, p.Pro1846Ser (NM_001386175.1); c.4411+3788C>T (NM_001386186.2, NM_001386148.2); c.4213+3788C>T (NM_001354269.3); c.4291+3788C>T (NM_001386187.2); c.4252+3788C>T (NM_001386147.1); and 35 more; short protein forms P1854S, P1807S, P1729S, P1846S, P607S.
Identifiers: ClinVar variation 4751138 (VCV004751138.1).